The following is an entry in ClinVar:

NM_004171.4(SLC1A2):c.1287-3T>C

Gene: SLC1A2 (solute carrier family 1 member 2; minus strand). Cytogenetic location: 11p13.
Variant type: single nucleotide variant.
Coding change: c.1287-3T>C on transcript NM_004171.4 (MANE Select); 3 bases into the intron before coding-DNA position 1287, T replaced by C.
Molecular consequence: intron variant.
Genome position (GRCh38, 1-based): chr11:35,281,004, A>G on the plus strand (T>C on the coding strand, the complement: SLC1A2 is on the minus strand). VCF-style: chr11-35281004-A-G. GRCh37 (hg19) VCF-style: chr11-35302551-A-G.
Other names: c.1260-3T>C (NM_001195728.3, NM_001252652.2).
Identifiers: ClinVar variation 2201448 (VCV002201448.4), dbSNP rs16927242, ClinGen allele CA5947107.

ClinVar aggregate classification (germline): Uncertain significance (1 of 4 stars; one submission).

Allele frequency attached by ClinVar (database versions not stated): gnomAD exomes 0.00001; gnomAD 0.00002; TOPMed 0.00002; ExAC 0.00003; ESP Exome Variant Server 0.00008.
gnomAD v4.1: 15 of 1,604,584 alleles (0.00093%); highest among the groups gnomAD compares: Admixed American, 0.0051%; no homozygotes.

Submission:

Labcorp Genetics (formerly Invitae), Labcorp
Classification: Uncertain significance. Last evaluated: 2021-12-17. Review status: criteria provided, single submitter. Criteria: Invitae Variant Classification Sherloc (09022015). Collection method: clinical testing. Allele origin: germline.
Comment: In summary, the available evidence is currently insufficient to determine the role of this variant in disease. Therefore, it has been classified as a Variant of Uncertain Significance. Variants that disrupt the consensus splice site are a relatively common cause of aberrant splicing (PMID: 17576681, 9536098). Algorithms developed to predict the effect of sequence changes on RNA splicing suggest that this variant is not likely to affect RNA splicing. This variant has not been reported in the literature in individuals affected with SLC1A2-related conditions. This variant is present in population databases (rs16927242, gnomAD 0.009%). This sequence change falls in intron 8 of the SLC1A2 gene. It does not directly change the encoded amino acid sequence of the SLC1A2 protein. It affects a nucleotide within the consensus splice site.

Literature cited by the submitters: PubMed 17576681; PubMed 9536098.